The following is an entry in ClinVar:

NM_207122.2(EXT2):c.426C>G (p.Tyr142Ter)

Gene: EXT2 (exostosin glycosyltransferase 2; plus strand). Cytogenetic location: 11p11.2.
Variant type: single nucleotide variant.
Coding change: c.426C>G on transcript NM_207122.2 (MANE Select); coding-DNA position 426, C replaced by G.
Protein change: p.Tyr142Ter; replaces tyrosine 142 with a stop codon.
Molecular consequence: nonsense.
Genome position (GRCh38, 1-based): chr11:44,108,138, C>G. VCF-style: chr11-44108138-C-G. GRCh37 (hg19) VCF-style: chr11-44129688-C-G.
Other names: c.525C>G, p.Tyr175Ter (NM_000401.3); c.426C>G, p.Tyr142Ter (NM_001178083.3, NM_001389628.1, NM_001389630.1); short protein forms Y142*, Y175*.
Identifiers: ClinVar variation 834059 (VCV000834059.3), dbSNP rs569199683, ClinGen allele CA221453215.
Genomic context (GRCh38, chr11:44,108,138, plus strand): 5'-CAGCAACACCATCTCCCGGGAGTATAATGAACTGCTCATGGCCATCTCAGACAGTGACTA[C>G]TACACTGATGACATCAACCGGGCCTGTCTGTTTGTTCCCTCCATCGATGTGCTTAACCAG-3'

ClinVar aggregate classification (germline): Pathogenic (1 of 4 stars; one submission).

Conditions:
Exostoses, multiple, type 2 (EXT2). Also called: Hereditary Multiple Osteochondromatosis, Type II; EXOSTOSES, MULTIPLE, TYPE II. Identifiers: Orphanet 321, MedGen C1851413, MONDO:0007586, OMIM 133701.

Submission:

Service de Biochimie Médicale et Biologie Moléculaire, CHU Clermont-Ferrand
Classification: Pathogenic for Exostoses, multiple, type 2. Last evaluated: 2020-03-11. Review status: criteria provided, single submitter. Criteria: ACMG Guidelines, 2015. Collection method: clinical testing. Allele origin: unknown. Inheritance: Autosomal dominant inheritance. Affected: yes. Observed: 1 heterozygote.
Comment: Null variant (nonsense) affecting gene EXT2, which is a known mechanism of disease (ACMG : PVS1 + PM2 + PP3).